The following is an entry in ClinVar:

NM_000368.5(TSC1):c.253A>G (p.Thr85Ala)

Gene: TSC1 (TSC complex subunit 1; minus strand). Cytogenetic location: 9q34.13.
Variant type: single nucleotide variant.
Coding change: c.253A>G on transcript NM_000368.5 (MANE Select); coding-DNA position 253, A replaced by G.
Protein change: p.Thr85Ala; replaces threonine 85 with alanine.
Molecular consequence: missense variant. On other transcripts: 5 prime UTR variant (1), intron variant (1).
Genome position (GRCh38, 1-based): chr9:132,925,697, T>C on the plus strand (A>G on the coding strand, the complement: TSC1 is on the minus strand). VCF-style: chr9-132925697-T-C. GRCh37 (hg19) VCF-style: chr9-135801084-T-C.
Other names: c.253A>G, p.Thr85Ala (NM_001162426.2); c.-111A>G (NM_001362177.2); c.210+1504A>G (NM_001162427.2); short protein forms T85A.
Identifiers: ClinVar variation 1365384 (VCV001365384.8), dbSNP rs2132236558, ClinGen allele CA375374705.

ClinVar aggregate classification (germline): Uncertain significance (1 of 4 stars; one submission).

Conditions:
Tuberous sclerosis 1 (TSC1). Identifiers: Orphanet 805, MedGen C1854465, MONDO:0008612, OMIM 191100.

Allele frequency attached by ClinVar (database versions not stated): gnomAD exomes below 0.00001.

Submission:

Labcorp Genetics (formerly Invitae), Labcorp
Classification: Uncertain significance for Tuberous sclerosis 1. Last evaluated: 2020-11-24. Review status: criteria provided, single submitter. Criteria: Invitae Variant Classification Sherloc (09022015). Collection method: clinical testing. Allele origin: germline.
Comment: In summary, the available evidence is currently insufficient to determine the role of this variant in disease. Therefore, it has been classified as a Variant of Uncertain Significance. Algorithms developed to predict the effect of missense changes on protein structure and function (SIFT, PolyPhen-2, Align-GVGD) all suggest that this variant is likely to be tolerated, but these predictions have not been confirmed by published functional studies and their clinical significance is uncertain. This variant has not been reported in the literature in individuals with TSC1-related conditions. This variant is not present in population databases (ExAC no frequency). This sequence change replaces threonine with alanine at codon 85 of the TSC1 protein (p.Thr85Ala). The threonine residue is moderately conserved and there is a small physicochemical difference between threonine and alanine.